The following is an entry in ClinVar:

NM_001379500.1(COL18A1):c.1273C>A (p.Pro425Thr)

Gene: COL18A1 (collagen type XVIII alpha 1 chain; plus strand). Cytogenetic location: 21q22.3.
Variant type: single nucleotide variant.
Coding change: c.1273C>A on transcript NM_001379500.1 (MANE Select); coding-DNA position 1273, C replaced by A.
Protein change: p.Pro425Thr; replaces proline 425 with threonine.
Molecular consequence: missense variant.
Genome position (GRCh38, 1-based): chr21:45,479,926, C>A. VCF-style: chr21-45479926-C-A. GRCh37 (hg19) VCF-style: chr21-46899840-C-A.
Other names: c.1813C>A, p.Pro605Thr (NM_030582.4); c.2518C>A, p.Pro840Thr (NM_130444.3); short protein forms P425T, P840T, P605T.
Identifiers: ClinVar variation 1399007 (VCV001399007.6), dbSNP rs2145934047, ClinGen allele CA410516693.

ClinVar aggregate classification (germline): Uncertain significance (1 of 4 stars; one submission).

Allele frequency attached by ClinVar (database versions not stated): gnomAD exomes below 0.00001.
gnomAD v4.1: 2 of 1,613,834 alleles (0.00012%); highest among the groups gnomAD compares: South Asian, 0.0011%; no homozygotes.

Submission:

Labcorp Genetics (formerly Invitae), Labcorp
Classification: Uncertain significance. Last evaluated: 2022-02-05. Review status: criteria provided, single submitter. Criteria: Invitae Variant Classification Sherloc (09022015). Collection method: clinical testing. Allele origin: germline.
Comment: In summary, the available evidence is currently insufficient to determine the role of this variant in disease. Therefore, it has been classified as a Variant of Uncertain Significance. Experimental studies and prediction algorithms are not available or were not evaluated, and the functional significance of this variant is currently unknown. This variant has not been reported in the literature in individuals affected with COL18A1-related conditions. This variant is not present in population databases (gnomAD no frequency). This sequence change replaces proline, which is neutral and non-polar, with threonine, which is neutral and polar, at codon 425 of the COL18A1 protein (p.Pro425Thr).